The following is an entry in ClinVar:

ClinVar aggregate classification (germline): Likely pathogenic (1 of 4 stars; one submission).

Conditions:
Global developmental delay with or without impaired intellectual development. Identifiers: MedGen C5193032, MONDO:0032680, OMIM 618330.

Submission:

Greenwood Genetic Center Diagnostic Laboratories, Greenwood Genetic Center
Classification: Likely pathogenic for Global developmental delay with or without impaired intellectual development. Last evaluated: 2024-06-21. Review status: criteria provided, single submitter. Criteria: ACMG Guidelines, 2015. Collection method: clinical testing. Allele origin: germline. Affected: yes.
Comment: PVS1, PM2

NM_181552.4(CUX1):c.1042C>T (p.Gln348Ter)

Gene: CUX1 (cut like homeobox 1; plus strand). Cytogenetic location: 7q22.1.
Variant type: single nucleotide variant.
Coding change: c.1042C>T on transcript NM_181552.4 (MANE Select); coding-DNA position 1042, C replaced by T.
Protein change: p.Gln348Ter; replaces glutamine 348 with a stop codon.
Molecular consequence: nonsense.
Genome position (GRCh38, 1-based): chr7:102,189,837, C>T. VCF-style: chr7-102189837-C-T. GRCh37 (hg19) VCF-style: chr7-101833117-C-T.
Other names: c.1075C>T, p.Gln359Ter (NM_001202543.2, NM_001913.5); c.1027C>T, p.Gln343Ter (NM_001202544.3); c.937C>T, p.Gln313Ter (NM_001202545.3); c.958C>T, p.Gln320Ter (NM_001202546.3); c.1069C>T, p.Gln357Ter (NM_181500.4); short protein forms Q313*, Q320*, Q343*, Q348*, Q357*, Q359*.
Identifiers: ClinVar variation 3338576 (VCV003338576.1).